The following is an entry in ClinVar:

ClinVar aggregate classification (germline): Uncertain significance (1 of 4 stars; one submission).

Submission:

GeneDx
Classification: Uncertain significance. Last evaluated: 2023-03-07. Review status: criteria provided, single submitter. Criteria: GeneDx Variant Classification Process June 2021. Collection method: clinical testing. Allele origin: germline. Affected: yes.
Comment: Not observed at significant frequency in large population cohorts (gnomAD); In silico analysis supports that this missense variant has a deleterious effect on protein structure/function; In silico analysis also supports that this variant has a deleterious effect on splicing; Has not been previously published as pathogenic or benign to our knowledge

NM_017780.4(CHD7):c.3200A>C (p.Gln1067Pro)

Gene: CHD7 (chromodomain helicase DNA binding protein 7; plus strand). Cytogenetic location: 8q12.2.
Variant type: single nucleotide variant.
Coding change: c.3200A>C on transcript NM_017780.4 (MANE Select); coding-DNA position 3200, A replaced by C.
Protein change: p.Gln1067Pro; replaces glutamine 1067 with proline.
Molecular consequence: missense variant. On other transcripts: intron variant (1).
Genome position (GRCh38, 1-based): chr8:60,822,745, A>C. VCF-style: chr8-60822745-A-C. GRCh37 (hg19) VCF-style: chr8-61735304-A-C.
Other names: c.1717-39484A>C (NM_001316690.1); short protein forms Q1067P.
Identifiers: ClinVar variation 2579344 (VCV002579344.1), dbSNP rs2487812772, ClinGen allele CA371310551.
Genomic context (GRCh38, chr8:60,822,745, plus strand): 5'-ATGGGAGTCAAGCTAGTCGTCGGACCATTCAGTTGTATGAAATGTACTTCAAAGATCCCC[A>C]GGTAAACCTTCACAGGTTGTATTCTTTGTACTTACTCTGTGCATTTTAAGGTGTTAAAAA-3'
Protein context (NP_060250.2, residues 1057-1077): QLYEMYFKDP[Gln1067Pro]GRVIKGSYKF